The following is an entry in ClinVar:

ClinVar aggregate classification (germline): Pathogenic (1 of 4 stars; one submission).

Submission:

ISCA site 4
Classification: Pathogenic. Last evaluated: 2011-08-12. Review status: criteria provided, single submitter. Criteria: Kaminsky et al. (Genet Med. 2011). Collection method: clinical testing. Allele origin: unknown. Affected: yes. Observed: 1 variant allele.
Comment: Copy number variation identified through the course of routine clinical cytogenomic testing in postnatal populations. Clinical assertions have been curated as described in Kaminsky et al. 2011.

GRCh38/hg38 10p15.3-14(chr10:90421-8442783)x3

Genes: IL2RA (interleukin 2 receptor subunit alpha; minus strand), ITIH2 (inter-alpha-trypsin inhibitor heavy chain 2; plus strand), ITIH5 (inter-alpha-trypsin inhibitor heavy chain 5; minus strand), KIN (Kin17 DNA and RNA binding protein; minus strand), KLF6 (KLF transcription factor 6; minus strand) and 350 more. Cytogenetic location: 10p15.3-14.
Variant type: copy number gain.
Change: copy number 3 (three copies instead of two) of chr10:90,421-8,442,783 (8.35 Mb, GRCh38 coordinates, 1-based), cytogenetic band 10p15.3-14.
Identifiers: ClinVar variation 57407 (VCV000057407.1).